The following is an entry in ClinVar:

ClinVar aggregate classification (germline): Likely benign. Review status: criteria provided, multiple submitters, no conflicts (2 of 4 stars). 2 submissions from 2 submitters: Likely benign (2). Last evaluated 2026-09-09.

Conditions:
SCP2-related disorder. Also called: SCP2-related condition.

Allele frequency attached by ClinVar (database versions not stated): ExAC 0.00001; gnomAD 0.00001; gnomAD exomes 0.00002; TOPMed 0.00005.
gnomAD v4.1: 7 of 1,613,574 alleles (0.00043%); highest among the groups gnomAD compares: Admixed American, 0.01%; no homozygotes.

Submissions (2):

PreventionGenetics, part of Exact Sciences
Classification: Likely benign for SCP2-related condition. Last evaluated: 2026-09-09. Review status: criteria provided, single submitter. Criteria: ACMG Guidelines, 2015. Collection method: clinical testing. Allele origin: germline.
Comment: This variant is classified as likely benign based on ACMG/AMP sequence variant interpretation guidelines (Richards et al. 2015 PMID: 25741868, with internal and published modifications).

Labcorp Genetics (formerly Invitae), Labcorp
Classification: Likely benign. Last evaluated: 2025-09-03. Review status: criteria provided, single submitter. Criteria: Invitae Variant Classification Sherloc (09022015). Collection method: clinical testing. Allele origin: germline.

NM_002979.5(SCP2):c.1235+10A>G

Gene: SCP2 (sterol carrier protein 2; plus strand). Cytogenetic location: 1p32.3.
Variant type: single nucleotide variant.
Coding change: c.1235+10A>G on transcript NM_002979.5 (MANE Select); 10 bases into the intron after coding-DNA position 1235, A replaced by G.
Molecular consequence: intron variant.
Genome position (GRCh38, 1-based): chr1:53,015,053, A>G. VCF-style: chr1-53015053-A-G. GRCh37 (hg19) VCF-style: chr1-53480725-A-G.
Other names: c.1235+10A>G (NM_002979.4); c.1103+10A>G (NM_001193600.2); c.1163+10A>G (NM_001193599.2); c.992+10A>G (NM_001193617.2); c.23+10A>G (NM_001007099.3, NM_001007250.3, NM_001007100.3).
Identifiers: ClinVar variation 1607619 (VCV001607619.9), dbSNP rs770248422, ClinGen allele CA857360.